The following is an entry in ClinVar:

ClinVar aggregate classification (germline): Uncertain significance. Review status: criteria provided, multiple submitters, no conflicts (2 of 4 stars). 2 submissions from 2 submitters: Uncertain significance (2). Last evaluated 2025-06-18.

Conditions:
Long QT syndrome (LQTS). Identifiers: MedGen C0023976, MeSH D008133, MONDO:0002442. Disease mechanism: loss of function. Inheritance: Various modes of inheritance.

Allele frequency attached by ClinVar (database versions not stated): ESP Exome Variant Server 0.00008.
gnomAD v4.1: 1 of 1,612,548 alleles (0.000062%); highest among the groups gnomAD compares: African/African-American, 0.0013%; no homozygotes.

Submissions (2):

Labcorp Genetics (formerly Invitae), Labcorp
Classification: Uncertain significance for Long QT syndrome. Last evaluated: 2025-06-18. Review status: criteria provided, single submitter. Criteria: Invitae Variant Classification Sherloc (09022015). Collection method: clinical testing. Allele origin: germline.
Comment: This sequence change falls in intron 8 of the KCNQ1 gene. It does not directly change the encoded amino acid sequence of the KCNQ1 protein. It affects a nucleotide within the consensus splice site. This variant is present in population databases (rs76735093, gnomAD 0.01%). This variant has not been reported in the literature in individuals affected with KCNQ1-related conditions. ClinVar contains an entry for this variant (Variation ID: 594576). Variants that disrupt the consensus splice site are a relatively common cause of aberrant splicing (PMID: 17576681, 9536098). Algorithms developed to predict the effect of sequence changes on RNA splicing suggest that this variant may disrupt the consensus splice site. In summary, the available evidence is currently insufficient to determine the role of this variant in disease. Therefore, it has been classified as a Variant of Uncertain Significance.

Eurofins Ntd Llc (ga)
Classification: Uncertain significance. Last evaluated: 2017-10-27. Review status: criteria provided, single submitter. Criteria: EGL Classification Definitions 2015. Collection method: clinical testing. Allele origin: germline. Observed: 1 variant allele, 1 heterozygote.

Literature cited by the submitters: PubMed 17576681 (cited by Labcorp Genetics (formerly Invitae), Labcorp); PubMed 9536098 (cited by Labcorp Genetics (formerly Invitae), Labcorp).

NM_000218.3(KCNQ1):c.1128+5G>T

Gene: KCNQ1 (potassium voltage-gated channel subfamily Q member 1; plus strand). Cytogenetic location: 11p15.5.
Variant type: single nucleotide variant.
Coding change: c.1128+5G>T on transcript NM_000218.3 (MANE Select); 5 bases into the intron after coding-DNA position 1128, G replaced by T.
Molecular consequence: intron variant.
Genome position (GRCh38, 1-based): chr11:2,585,312, G>T. VCF-style: chr11-2585312-G-T. GRCh37 (hg19) VCF-style: chr11-2606542-G-T.
Other names: c.858+5G>T (NM_001406837.1); c.1032+1767G>T (NM_001406836.1); c.588+1767G>T (NM_001406838.1); c.747+5G>T (NM_181798.2).
Identifiers: ClinVar variation 594576 (VCV000594576.9), dbSNP rs76735093, ClinGen allele CA027179.
Genomic context (GRCh38, chr11:2,585,312, plus strand): 5'-AGCAGAGGCAGAAGCACTTCAACCGGCAGATCCCGGCGGCAGCCTCACTCATTCAGGTGC[G>T]GTGCCTGCAAGGCCCTGGTCACTGTCATTTTGGTCACTGTTATTGTTGCATCCAGCCCTC-3'